The following is an entry in ClinVar:

NM_139027.6(ADAMTS13):c.887dup (p.Pro297fs)

Gene: ADAMTS13 (ADAM metallopeptidase with thrombospondin type 1 motif 13; plus strand). Cytogenetic location: 9q34.2.
Variant type: Duplication.
Coding change: c.887dup on transcript NM_139027.6 (MANE Select); coding-DNA position 887, one base duplicated (C; older notation c.887dupC).
Protein change: p.Pro297fs; shifts the reading frame from proline 297.
Molecular consequence: frameshift variant. On other transcripts: intron variant (1).
Genome position (GRCh38, 1-based): chr9:133,430,001, C duplicated; the last of 3 consecutive C bases (chr9:133,429,999-133,430,001); duplicating any one gives the same sequence. VCF-style (leftmost placement, unchanged base first): chr9-133429998-A-AC. GRCh37 (hg19) VCF-style: chr9-136295118-A-AC.
Other names: c.825-31dup (NM_139026.6); c.887dup, p.Pro297fs (NM_139025.5); short protein forms P297fs.
Identifiers: ClinVar variation 2810067 (VCV002810067.3), dbSNP rs2491125282, ClinGen allele CA2692361857.

ClinVar aggregate classification (germline): Pathogenic (1 of 4 stars; one submission).

Submission:

Labcorp Genetics (formerly Invitae), Labcorp
Classification: Pathogenic. Last evaluated: 2023-06-27. Review status: criteria provided, single submitter. Criteria: Invitae Variant Classification Sherloc (09022015). Collection method: clinical testing. Allele origin: germline.
Comment: This sequence change creates a premature translational stop signal (p.Pro297Alafs*93) in the ADAMTS13 gene. It is expected to result in an absent or disrupted protein product. Loss-of-function variants in ADAMTS13 are known to be pathogenic (PMID: 11586351, 12753286, 21781265). For these reasons, this variant has been classified as Pathogenic. This variant has not been reported in the literature in individuals affected with ADAMTS13-related conditions. This variant is not present in population databases (gnomAD no frequency).

Literature cited by the submitters: PubMed 11586351; PubMed 12753286; PubMed 21781265.